The following is an entry in ClinVar:

NM_018489.3(ASH1L):c.1234C>A (p.Pro412Thr)

Gene: ASH1L (ASH1 like histone lysine methyltransferase; minus strand). Cytogenetic location: 1q22.
Variant type: single nucleotide variant.
Coding change: c.1234C>A on transcript NM_018489.3 (MANE Select); coding-DNA position 1234, C replaced by A.
Protein change: p.Pro412Thr; replaces proline 412 with threonine.
Molecular consequence: missense variant.
Genome position (GRCh38, 1-based): chr1:155,481,636, G>T on the plus strand (C>A on the coding strand, the complement: ASH1L is on the minus strand). VCF-style: chr1-155481636-G-T. GRCh37 (hg19) VCF-style: chr1-155451427-G-T.
Other names: c.1234C>A, p.Pro412Thr (NM_001366177.2); short protein forms P412T.
Identifiers: ClinVar variation 3768282 (VCV003768282.1).

ClinVar aggregate classification (germline): Uncertain significance (1 of 4 stars; one submission).

gnomAD v4.1: 13 of 1,614,064 alleles (0.00081%); highest among the groups gnomAD compares: Non-Finnish European, 0.0011%; no homozygotes.

Submission:

Women's Health and Genetics/Laboratory Corporation of America, LabCorp
Classification: Uncertain significance. Last evaluated: 2024-12-04. Review status: criteria provided, single submitter. Criteria: LabCorp Variant Classification Summary - May 2015. Collection method: clinical testing. Allele origin: germline.
Comment: Variant summary: ASH1L c.1234C>A (p.Pro412Thr) results in a non-conservative amino acid change in the encoded protein sequence. Four of five in-silico tools predict a benign effect of the variant on protein function. The variant was absent in 249784 control chromosomes. The available data on variant occurrences in the general population are insufficient to allow any conclusion about variant significance. To our knowledge, no occurrence of c.1234C>A in individuals affected with Intellectual Disability, Autosomal Dominant 52 and no experimental evidence demonstrating its impact on protein function have been reported. No submitters have cited clinical-significance assessments for this variant to ClinVar. Based on the evidence outlined above, the variant was classified as uncertain significance.